The following is an entry in ClinVar:

NM_001378457.1(DMXL2):c.88-3del

Gene: DMXL2 (Dmx like 2; minus strand). Cytogenetic location: 15q21.2.
Variant type: Deletion.
Coding change: c.88-3del on transcript NM_001378457.1 (MANE Select); 3 bases into the intron before coding-DNA position 88, one base deleted (T; older notation c.88-3delT).
Molecular consequence: intron variant.
Genome position (GRCh38, 1-based): chr15:51,576,184, A deleted on the plus strand (T on the coding strand, the reverse complement: DMXL2 is on the minus strand); the first of 20 consecutive A bases (chr15:51,576,184-51,576,203); deleting any one gives the same sequence. VCF-style (leftmost placement, unchanged base first): chr15-51576183-TA-T. GRCh37 (hg19) VCF-style: chr15-51868380-TA-T.
Other names: p.?; c.88-3del (NM_001378460.1, NM_001174117.3, NM_015263.5 and 8 more transcripts).
Identifiers: ClinVar variation 1599847 (VCV001599847.10), dbSNP rs3078066, ClinGen allele CA7562935.
Genomic context (GRCh38, chr15:51,576,183, plus strand): 5'-ATCTGTACACATTCAAAGTCATTTGCCAAAATAACAATATCACAGCCTGATCCATATGCC[TA>T]AAAAAAAAAAAAAAAAAAAGTTTTACAATACATAAGATATGTAACTTTTGAAATCTTATT-3'

ClinVar aggregate classification (germline): Benign/Likely benign. Review status: criteria provided, multiple submitters, no conflicts (2 of 4 stars). 3 submissions from 3 submitters: Benign (2); Likely benign (1). Last evaluated 2026-02-03.

Submissions (3):

Labcorp Genetics (formerly Invitae), Labcorp
Classification: Benign. Last evaluated: 2026-02-03. Review status: criteria provided, single submitter. Criteria: Invitae Variant Classification Sherloc (09022015). Collection method: clinical testing. Allele origin: germline.

Mayo Clinic Laboratories, Mayo Clinic
Classification: Benign. Last evaluated: 2025-08-19. Review status: criteria provided, single submitter. Criteria: ACMG Guidelines, 2015. Collection method: clinical testing. Allele origin: germline. Observed: 84 variant alleles.
Comment: BA1, BP4, BP7

Laboratory of Genetics, Children's Clinical University Hospital Latvia
Classification: Likely benign. Last evaluated: 2025-02-16. Review status: criteria provided, single submitter. Criteria: ACMG Guidelines, 2015. Collection method: clinical testing. Allele origin: germline. Affected: yes.